The following is an entry in ClinVar:

NM_000535.7(PMS2):c.1883G>A (p.Arg628Gln)

Gene: PMS2 (PMS1 homolog 2, mismatch repair system component; minus strand). Cytogenetic location: 7p22.1.
Variant type: single nucleotide variant.
Coding change: c.1883G>A on transcript NM_000535.7 (MANE Select); coding-DNA position 1883, G replaced by A.
Protein change: p.Arg628Gln; replaces arginine 628 with glutamine.
Molecular consequence: missense variant. On other transcripts: non-coding transcript variant (1).
Genome position (GRCh38, 1-based): chr7:5,986,882, C>T on the plus strand (G>A on the coding strand, the complement: PMS2 is on the minus strand). VCF-style: chr7-5986882-C-T. GRCh37 (hg19) VCF-style: chr7-6026513-C-T.
Other names: c.1478G>A, p.Arg493Gln (NM_001322003.2, NM_001322004.2, NM_001322005.2 and 1 more transcripts); c.1727G>A, p.Arg576Gln (NM_001322006.2); c.1565G>A, p.Arg522Gln (NM_001322007.2, NM_001322008.2); c.1322G>A, p.Arg441Gln (NM_001322010.2); c.950G>A, p.Arg317Gln (NM_001322011.2, NM_001322012.2); c.1310G>A, p.Arg437Gln (NM_001322013.2); c.1883G>A, p.Arg628Gln (NM_001322014.2); c.1574G>A, p.Arg525Gln (NM_001322015.2); short protein forms R628Q, R576Q, R493Q, R317Q, R437Q, R522Q, R525Q, R441Q.
Identifiers: ClinVar variation 127767 (VCV000127767.31), dbSNP rs587780044, ClinGen allele CA010408.

ClinVar aggregate classification (germline): Conflicting classifications of pathogenicity. Review status: criteria provided, conflicting classifications (1 of 4 stars). 9 submissions from 9 submitters: Uncertain significance (7); Benign (1); Likely benign (1). Last evaluated 2025-12-28.

Conditions:
Hereditary nonpolyposis colorectal neoplasms. Identifiers: MedGen C0009405, MeSH D003123.
Hereditary cancer-predisposing syndrome. Also called: Hereditary neoplastic syndrome; Neoplastic Syndromes, Hereditary; Hereditary Cancer Syndrome; Tumor predisposition. Identifiers: Orphanet 140162, MedGen C0027672, MeSH D009386, MONDO:0015356.
Lynch syndrome. Identifiers: Orphanet 144, MedGen C4552100, MONDO:0005835. Disease mechanism: loss of function.
Lynch syndrome 4 (LYNCH4). Also called: Colorectal cancer, hereditary nonpolyposis, type 4; Hereditary non-polyposis colorectal cancer, type 4. Identifiers: Orphanet 144, MedGen C1838333, MONDO:0013699, OMIM 614337. Disease mechanism: loss of function.

Allele frequency attached by ClinVar (database versions not stated): ExAC 0.00001; gnomAD exomes 0.00001; gnomAD 0.00004; TOPMed 0.00005.

Submissions (9):

Labcorp Genetics (formerly Invitae), Labcorp
Classification: Benign for Hereditary nonpolyposis colorectal neoplasms. Last evaluated: 2025-12-28. Review status: criteria provided, single submitter. Criteria: Invitae Variant Classification Sherloc (09022015). Collection method: clinical testing. Allele origin: germline.

Quest Diagnostics Nichols Institute San Juan Capistrano
Classification: Uncertain significance. Last evaluated: 2025-11-07. Review status: criteria provided, single submitter. Criteria: Quest Diagnostics criteria. Collection method: clinical testing. Allele origin: unknown.
Comment: The PMS2 c.1883G>A (p.Arg628Gln) variant has been reported in the published literature in individuals with breast cancer (PMIDs: 33646313 (2021), 25186627 (2015)). The frequency of this variant in the general population (Genome Aggregation Database) is uninformative in the assessment of its pathogenicity. Analysis of this variant using bioinformatics tools for the prediction of the effect of amino acid changes on protein structure and function yielded predictions that this variant is benign. Based on the available information, we are unable to determine the clinical significance of this variant.

GeneDx
Classification: Uncertain significance. Last evaluated: 2024-11-18. Review status: criteria provided, single submitter. Criteria: GeneDx Variant Classification Process June 2021. Collection method: clinical testing. Allele origin: germline. Affected: yes.
Comment: Observed in an individual with breast cancer (PMID: 33646313); In silico analysis indicates that this missense variant does not alter protein structure/function; This variant is associated with the following publications: (PMID: 25224212, 29596542, 11292842, 19148896, 33646313)

Molecular Pathology, Peter Maccallum Cancer Centre
Classification: Uncertain significance for Lynch syndrome 4. Last evaluated: 2024-08-16. Review status: criteria provided, single submitter. Criteria: ACMG Guidelines, 2015. Collection method: clinical testing. Allele origin: germline. Inheritance: Autosomal dominant inheritance.

All of Us Research Program, National Institutes of Health
Classification: Uncertain significance for Lynch syndrome. Last evaluated: 2024-06-09. Review status: criteria provided, single submitter. Criteria: ACMG Guidelines, 2015. Collection method: clinical testing. Allele origin: germline. Inheritance: Autosomal dominant inheritance. Observed: 3 variant alleles, 3 heterozygotes.
Comment: This missense variant replaces arginine with glutamine at codon 628 of the PMS2 protein. Computational prediction suggests that this variant may not impact protein structure and function (internally defined REVEL score threshold <= 0.5, PMID: 27666373). To our knowledge, functional studies have not been reported for this variant. This variant has not been reported in individuals affected with hereditary cancer in the literature. This variant has been identified in 4/282818 chromosomes in the general population by the Genome Aggregation Database (gnomAD). The available evidence is insufficient to determine the role of this variant in disease conclusively. Therefore, this variant is classified as a Variant of Uncertain Significance.

This study involves interpretation of variants in research participants for the purpose of population health screening. Participant phenotype was not available at the time of variant classification. Additional details can be found in publication PMID: 35346344, PMCID: PMC8962531

Color Diagnostics, LLC DBA Color Health
Classification: Uncertain significance for Hereditary cancer-predisposing syndrome. Last evaluated: 2024-05-24. Review status: criteria provided, single submitter. Criteria: ACMG Guidelines, 2015. Collection method: clinical testing. Allele origin: germline.
Comment: This missense variant replaces arginine with glutamine at codon 628 of the PMS2 protein. Computational prediction suggests that this variant may not impact protein structure and function. To our knowledge, functional studies have not been reported for this variant. This variant has not been reported in individuals affected with PMS2-related disorders in the literature. This variant has been identified in 4/282818 chromosomes in the general population by the Genome Aggregation Database (gnomAD). The available evidence is insufficient to determine the role of this variant in disease conclusively. Therefore, this variant is classified as a Variant of Uncertain Significance.

Baylor Genetics
Classification: Uncertain significance for Lynch syndrome 4. Last evaluated: 2024-03-01. Review status: criteria provided, single submitter. Criteria: ACMG Guidelines, 2015. Collection method: clinical testing. Allele origin: unknown.

Women's Health and Genetics/Laboratory Corporation of America, LabCorp
Classification: Uncertain significance. Last evaluated: 2021-04-26. Review status: criteria provided, single submitter. Criteria: LabCorp Variant Classification Summary - May 2015. Collection method: clinical testing. Allele origin: germline.
Comment: Variant summary: PMS2 c.1883G>A (p.Arg628Gln) results in a conservative amino acid change in the encoded protein sequence. Five of five in-silico tools predict a benign effect of the variant on protein function. The variant allele was found at a frequency of 8e-06 in 251428 control chromosomes (gnomAD). The available data on variant occurrences in the general population are insufficient to allow any conclusion about variant significance. To our knowledge, no occurrence of c.1883G>A in individuals affected with Lynch Syndrome and no experimental evidence demonstrating its impact on protein function have been reported. Four clinical diagnostic laboratories have submitted clinical-significance assessments for this variant to ClinVar after 2014 without evidence for independent evaluation. Based on the evidence outlined above, the variant was classified as uncertain significance.

Ambry Genetics
Classification: Likely benign for Hereditary cancer-predisposing syndrome. Last evaluated: 2017-09-11. Review status: criteria provided, single submitter. Criteria: Ambry Variant Classification Scheme 2023. Collection method: clinical testing. Allele origin: germline.

Literature cited by the submitters: PubMed 33646313 (cited by Quest Diagnostics Nichols Institute San Juan Capistrano); PubMed 25186627 (cited by Quest Diagnostics Nichols Institute San Juan Capistrano); PubMed 15608192 (cited by Ambry Genetics); PubMed 16187360 (cited by Ambry Genetics).